The following is an entry in ClinVar:

NM_015512.5(DNAH1):c.4180G>A (p.Val1394Met)

Gene: DNAH1 (dynein axonemal heavy chain 1; plus strand). Cytogenetic location: 3p21.1.
Variant type: single nucleotide variant.
Coding change: c.4180G>A on transcript NM_015512.5 (MANE Select); coding-DNA position 4180, G replaced by A.
Protein change: p.Val1394Met; replaces valine 1394 with methionine.
Molecular consequence: missense variant.
Genome position (GRCh38, 1-based): chr3:52,358,651, G>A. VCF-style: chr3-52358651-G-A. GRCh37 (hg19) VCF-style: chr3-52392667-G-A.
Other names: c.4180G>A (NM_015512.4); short protein forms V1394M.
Identifiers: ClinVar variation 2418299 (VCV002418299.2), dbSNP rs575189081, ClinGen allele CA2433831.

ClinVar aggregate classification (germline): Uncertain significance. Review status: criteria provided, multiple submitters, no conflicts (2 of 4 stars). 2 submissions from 2 submitters: Uncertain significance (2). Last evaluated 2023-12-14.

Conditions:
Spermatogenic failure 18. Identifiers: MedGen C4539783, MONDO:0054615, OMIM 617576.
Ciliary dyskinesia, primary, 37 (CILD37). Also called: CILIARY DYSKINESIA, PRIMARY, 37, WITH OR WITHOUT SITUS INVERSUS. Identifiers: MedGen C4539798, MONDO:0033204, OMIM 617577.

Allele frequency attached by ClinVar (database versions not stated): gnomAD 0.00001; TOPMed 0.00001; ExAC 0.00008; 1000 Genomes Project 30x 0.00031; 1000 Genomes Project 0.00040.
gnomAD v4.1: 62 of 1,613,278 alleles (0.0038%); highest among the groups gnomAD compares: South Asian, 0.043%; 1 homozygote.

Submissions (2):

GeneDx
Classification: Uncertain significance. Last evaluated: 2023-12-14. Review status: criteria provided, single submitter. Criteria: GeneDx Variant Classification Process June 2021. Collection method: clinical testing. Allele origin: germline. Affected: yes.
Comment: In silico analysis supports that this missense variant has a deleterious effect on protein structure/function; Has not been previously published as pathogenic or benign to our knowledge

Labcorp Genetics (formerly Invitae), Labcorp
Classification: Uncertain significance for Ciliary dyskinesia, primary, 37; Spermatogenic failure 18. Last evaluated: 2022-05-06. Review status: criteria provided, single submitter. Criteria: Invitae Variant Classification Sherloc (09022015). Collection method: clinical testing. Allele origin: germline.
Comment: This sequence change replaces valine, which is neutral and non-polar, with methionine, which is neutral and non-polar, at codon 1394 of the DNAH1 protein (p.Val1394Met). This variant is present in population databases (rs575189081, gnomAD 0.07%). This variant has not been reported in the literature in individuals affected with DNAH1-related conditions. Algorithms developed to predict the effect of missense changes on protein structure and function are either unavailable or do not agree on the potential impact of this missense change (SIFT: "Deleterious"; PolyPhen-2: "Probably Damaging"; Align-GVGD: "Class C15"). In summary, the available evidence is currently insufficient to determine the role of this variant in disease. Therefore, it has been classified as a Variant of Uncertain Significance.